The following is an entry in ClinVar:

NM_007126.5(VCP):c.572G>C (p.Arg191Pro)

Gene: VCP (valosin containing protein; minus strand). Cytogenetic location: 9p13.3.
Variant type: single nucleotide variant.
Coding change: c.572G>C on transcript NM_007126.5 (MANE Select); coding-DNA position 572, G replaced by C.
Protein change: p.Arg191Pro; replaces arginine 191 with proline.
Molecular consequence: missense variant.
Genome position (GRCh38, 1-based): chr9:35,065,255, C>G on the plus strand (G>C on the coding strand, the complement: VCP is on the minus strand). VCF-style: chr9-35065255-C-G. GRCh37 (hg19) VCF-style: chr9-35065252-C-G.
Other names: c.437G>C, p.Arg146Pro (NM_001354927.2, NM_001354928.2); short protein forms R146P, R191P.
Identifiers: ClinVar variation 873223 (VCV000873223.4), dbSNP rs121909334, ClinGen allele CA373288667.

ClinVar aggregate classification (germline): Pathogenic/Likely pathogenic. Review status: criteria provided, multiple submitters, no conflicts (2 of 4 stars). 2 submissions from 2 submitters: Pathogenic (1); Likely pathogenic (1). Last evaluated 2023-03-03.

Conditions:
Frontotemporal dementia and/or amyotrophic lateral sclerosis 6 (FTDALS6). Also called: VCP-Related Amyotrophic Lateral Sclerosis; VCP-Related Amyotrophic Lateral Sclerosis/Frontotemporal Dementia. Identifiers: Orphanet 275872, Orphanet 803, MedGen C5436279, MONDO:0013501, OMIM 613954.
Inclusion body myopathy with Paget disease of bone and frontotemporal dementia. Also called: Inclusion body myopathy with early-onset Paget disease and frontotemporal dementia. Identifiers: Orphanet 52430, MedGen C1833662, MONDO:0000507.

Submissions (2):

Labcorp Genetics (formerly Invitae), Labcorp
Classification: Pathogenic for Inclusion body myopathy with Paget disease of bone and frontotemporal dementia; Frontotemporal dementia and/or amyotrophic lateral sclerosis 6. Last evaluated: 2023-03-03. Review status: criteria provided, single submitter. Criteria: Invitae Variant Classification Sherloc (09022015). Collection method: clinical testing. Allele origin: germline.
Comment: For these reasons, this variant has been classified as Pathogenic. This variant disrupts the p.Arg191 amino acid residue in VCP. Other variant(s) that disrupt this residue have been determined to be pathogenic (PMID: 15034582, 19237541, 21145000, 21984748, 22270372, 22900631). This suggests that this residue is clinically significant, and that variants that disrupt this residue are likely to be disease-causing. Advanced modeling of protein sequence and biophysical properties (such as structural, functional, and spatial information, amino acid conservation, physicochemical variation, residue mobility, and thermodynamic stability) performed at Invitae indicates that this missense variant is not expected to disrupt VCP protein function. ClinVar contains an entry for this variant (Variation ID: 873223). This missense change has been observed in individual(s) with amyotrophic lateral sclerosis (PMID: 32579787, 32671691; Invitae). It has also been observed to segregate with disease in related individuals. This variant is not present in population databases (gnomAD no frequency). This sequence change replaces arginine, which is basic and polar, with proline, which is neutral and non-polar, at codon 191 of the VCP protein (p.Arg191Pro).

Suna and Inan Kirac Foundation Neurodegeneration Research Laboratory, Koc University
Classification: Likely pathogenic for Frontotemporal dementia and/or amyotrophic lateral sclerosis 6. Last evaluated: 2020-03-31. Review status: criteria provided, single submitter. Criteria: ACMG Guidelines, 2015. Collection method: research. Allele origin: germline. Affected: yes. Observed: 4 variant alleles.

Literature cited by the submitters: PubMed 15034582 (cited by Labcorp Genetics (formerly Invitae), Labcorp); PubMed 19237541 (cited by Labcorp Genetics (formerly Invitae), Labcorp); PubMed 21145000 (cited by Labcorp Genetics (formerly Invitae), Labcorp); PubMed 21984748 (cited by Labcorp Genetics (formerly Invitae), Labcorp); PubMed 22270372 (cited by Labcorp Genetics (formerly Invitae), Labcorp); PubMed 22900631 (cited by Labcorp Genetics (formerly Invitae), Labcorp); PubMed 32579787 (cited by Labcorp Genetics (formerly Invitae), Labcorp); PubMed 32671691 (cited by Labcorp Genetics (formerly Invitae), Labcorp).